The following is an entry in ClinVar:

ClinVar aggregate classification (germline): Uncertain significance (1 of 4 stars; one submission).

Conditions:
Amyotrophic lateral sclerosis (ALS). Also called: Charcot disease; Lou Gehrig disease. Identifiers: Orphanet 803, MedGen C0002736, MONDO:0004976, HP:0007354.

Allele frequency attached by ClinVar (database versions not stated): 1000 Genomes Project 0.00080; 1000 Genomes Project 30x 0.00094; gnomAD 0.00171 and 0.00178; TOPMed 0.00176; gnomAD exomes 0.00191; ExAC 0.00228; ESP Exome Variant Server 0.00277.
gnomAD v4.1: 4,372 of 1,613,272 alleles (0.27%); highest among the groups gnomAD compares: Non-Finnish European, 0.34%; 11 homozygotes.

Submission:

UM ALS/MND Lab, University Of Malta
Classification: Uncertain significance for Amyotrophic lateral sclerosis. Last evaluated: 2020-09-09. Review status: criteria provided, single submitter. Criteria: ACMG Guidelines, 2015. Collection method: case-control. Allele origin: unknown. Affected: yes. Observed: 1 variant allele.
Comment: Single heterozygote

NM_015077.4(SARM1):c.1501T>C (p.Tyr501His)

Gene: SARM1 (sterile alpha and TIR motif containing 1; plus strand). Cytogenetic location: 17q11.2.
Variant type: single nucleotide variant.
Coding change: c.1501T>C on transcript NM_015077.4 (MANE Select); coding-DNA position 1501, T replaced by C.
Protein change: p.Tyr501His; replaces tyrosine 501 with histidine.
Molecular consequence: missense variant.
Genome position (GRCh38, 1-based): chr17:28,385,146, T>C. VCF-style: chr17-28385146-T-C. GRCh37 (hg19) VCF-style: chr17-26712165-T-C.
Other names: short protein forms Y501H.
Identifiers: ClinVar variation 981026 (VCV000981026.3), dbSNP rs144613221, ClinGen allele CA8457913.